The following is an entry in ClinVar:

NM_001283009.2(RTEL1):c.3831G>T (p.Arg1277Ser)

Genes: RTEL1 (regulator of telomere elongation helicase 1; plus strand), RTEL1-TNFRSF6B (RTEL1-TNFRSF6B readthrough (NMD candidate); plus strand). Cytogenetic location: 20q13.33.
Variant type: single nucleotide variant.
Coding change: c.3831G>T on transcript NM_001283009.2 (MANE Select); coding-DNA position 3831, G replaced by T.
Protein change: p.Arg1277Ser; replaces arginine 1277 with serine.
Molecular consequence: missense variant. On other transcripts: non-coding transcript variant (1), 3 prime UTR variant (3).
Genome position (GRCh38, 1-based): chr20:63,695,786, G>T. VCF-style: chr20-63695786-G-T. GRCh37 (hg19) VCF-style: chr20-62327139-G-T.
Other names: c.*1G>T (NM_001283010.1, NM_016434.4, NM_032957.5); short protein forms R1277S.
Identifiers: ClinVar variation 1947525 (VCV001947525.3), dbSNP rs2145482103, ClinGen allele CA409710417.

ClinVar aggregate classification (germline): Uncertain significance. Review status: criteria provided, multiple submitters, no conflicts (2 of 4 stars). 2 submissions from 2 submitters: Uncertain significance (2). Last evaluated 2025-10-16.

Conditions:
Inborn genetic diseases. Identifiers: MedGen C0950123, MeSH D030342.
Dyskeratosis congenita, autosomal recessive 5 (DKCB5). Identifiers: MedGen C3554656, MONDO:0014076, OMIM 615190.
Pulmonary fibrosis and/or bone marrow failure, Telomere-related, 3. Also called: PULMONARY FIBROSIS AND/OR BONE MARROW FAILURE SYNDROME, TELOMERE-RELATED, 3. Identifiers: Orphanet 2032, MedGen C4225346, MONDO:0014613, OMIM 616373.

gnomAD v4.1: 1 of 1,593,498 alleles (0.000063%); highest among the groups gnomAD compares: Non-Finnish European, 0.000085%; no homozygotes.

Submissions (2):

Ambry Genetics
Classification: Uncertain significance for Inborn genetic diseases. Last evaluated: 2025-10-16. Review status: criteria provided, single submitter. Criteria: Ambry Variant Classification Scheme 2023. Collection method: clinical testing. Allele origin: germline.
Comment: The p.R1277S variant (also known as c.3831G>T), located in coding exon 34 of the RTEL1 gene, results from a G to T substitution at nucleotide position 3831. The arginine at codon 1277 is replaced by serine, an amino acid with dissimilar properties. This amino acid position is conserved. In addition, the in silico prediction for this alteration is inconclusive. Based on the available evidence, the clinical significance of this variant remains unclear.

Labcorp Genetics (formerly Invitae), Labcorp
Classification: Uncertain significance for Dyskeratosis congenita, autosomal recessive 5; Pulmonary fibrosis and/or bone marrow failure, Telomere-related, 3. Last evaluated: 2021-12-15. Review status: criteria provided, single submitter. Criteria: Invitae Variant Classification Sherloc (09022015). Collection method: clinical testing. Allele origin: germline.
Comment: This sequence change replaces arginine, which is basic and polar, with serine, which is neutral and polar, at codon 1277 of the RTEL1 protein (p.Arg1277Ser). This variant is not present in population databases (gnomAD no frequency). This variant has not been reported in the literature in individuals affected with RTEL1-related conditions. Algorithms developed to predict the effect of missense changes on protein structure and function are either unavailable or do not agree on the potential impact of this missense change (SIFT: "Deleterious"; PolyPhen-2: "Possibly Damaging"; Align-GVGD: "Class C0"). Algorithms developed to predict the effect of sequence changes on RNA splicing suggest that this variant may create or strengthen a splice site. In summary, the available evidence is currently insufficient to determine the role of this variant in disease. Therefore, it has been classified as a Variant of Uncertain Significance.